The following is an entry in ClinVar:

NM_001377.3(DYNC2H1):c.5047del (p.Gly1684fs)

Gene: DYNC2H1 (dynein cytoplasmic 2 heavy chain 1; plus strand). Cytogenetic location: 11q22.3.
Variant type: Deletion.
Coding change: c.5047del on transcript NM_001377.3 (MANE Select); coding-DNA position 5047, one base deleted (C; older notation c.5047delC).
Protein change: p.Gly1684fs; shifts the reading frame from glycine 1684.
Molecular consequence: frameshift variant.
Genome position (GRCh38, 1-based): chr11:103,170,186, C deleted. VCF-style (leftmost placement, unchanged base first): chr11-103170185-AC-A. GRCh37 (hg19) VCF-style: chr11-103040914-AC-A.
Other names: c.5047del, p.Gly1684fs (NM_001080463.2); short protein forms G1684fs.
Identifiers: ClinVar variation 2069637 (VCV002069637.4), dbSNP rs1322549762, ClinGen allele CA601670229.

ClinVar aggregate classification (germline): Pathogenic (1 of 4 stars; one submission).

Conditions:
Jeune thoracic dystrophy. Also called: Jeune syndrome; Infantile thoracic dystrophy; Thoracic pelvic phalangeal dystrophy; Jeune's syndrome; Chondroectodermal dysplasia-like syndrome; Short-rib thoracic dysplasia. Identifiers: Orphanet 474, MedGen C0265275, MONDO:0018770.

Allele frequency attached by ClinVar (database versions not stated): gnomAD exomes below 0.00001.

Submission:

Labcorp Genetics (formerly Invitae), Labcorp
Classification: Pathogenic for Jeune thoracic dystrophy. Last evaluated: 2022-09-01. Review status: criteria provided, single submitter. Criteria: Invitae Variant Classification Sherloc (09022015). Collection method: clinical testing. Allele origin: germline.
Comment: This variant is present in population databases (no rsID available, gnomAD no frequency). This sequence change creates a premature translational stop signal (p.Gly1684Glufs*16) in the DYNC2H1 gene. It is expected to result in an absent or disrupted protein product. Loss-of-function variants in DYNC2H1 are known to be pathogenic (PMID: 23339108, 32753734). This variant has not been reported in the literature in individuals affected with DYNC2H1-related conditions. For these reasons, this variant has been classified as Pathogenic.

Literature cited by the submitters: PubMed 23339108; PubMed 32753734.